The following is an entry in ClinVar:

NM_015102.5(NPHP4):c.1478C>T (p.Pro493Leu)

Gene: NPHP4 (nephrocystin 4; minus strand). Cytogenetic location: 1p36.31.
Variant type: single nucleotide variant.
Coding change: c.1478C>T on transcript NM_015102.5 (MANE Select); coding-DNA position 1478, C replaced by T.
Protein change: p.Pro493Leu; replaces proline 493 with leucine.
Molecular consequence: missense variant. On other transcripts: non-coding transcript variant (1), intron variant (2).
Genome position (GRCh38, 1-based): chr1:5,909,177, G>A on the plus strand (C>T on the coding strand, the complement: NPHP4 is on the minus strand). VCF-style: chr1-5909177-G-A. GRCh37 (hg19) VCF-style: chr1-5969237-G-A.
Other names: c.76-3394C>T (NM_001291594.2); c.76-3397C>T (NM_001291593.2); short protein forms P493L.
Identifiers: ClinVar variation 499799 (VCV000499799.16), dbSNP rs201801114, ClinGen allele CA554485.

ClinVar aggregate classification (germline): Conflicting classifications of pathogenicity. Review status: criteria provided, conflicting classifications (1 of 4 stars). 6 submissions from 6 submitters: Uncertain significance (4); Likely benign (1). 1 of the submissions does not count toward it. Last evaluated 2024-07-18.

Conditions:
NPHP4-related disorder. Also called: NPHP4-related condition; NPHP4-related disorders. Identifiers: MedGen CN239384.
Nephronophthisis. Also called: Juvenile Nephronophthisis. Identifiers: Orphanet 655, MedGen C0687120, MONDO:0019005, HP:0000090.
Senior-Loken syndrome 4 (SLSN4). Identifiers: Orphanet 3156, MedGen C1846979, MONDO:0011756, OMIM 606996.
Nephronophthisis 4 (NPHP4). Also called: NEPHRONOPHTHISIS 4, JUVENILE. Identifiers: Orphanet 655, MedGen C1847013, MONDO:0011752, OMIM 606966.

Allele frequency attached by ClinVar (database versions not stated): ESP Exome Variant Server 0.00025; TOPMed 0.00027; ExAC 0.00032; gnomAD 0.00038 and 0.00039.
gnomAD v4.1: 597 of 1,602,840 alleles (0.037%); highest among the groups gnomAD compares: Non-Finnish European, 0.04%; 1 homozygote.

Submissions (6):

Blueprint Genetics
Classification: Likely benign. Last evaluated: 2024-07-18. Review status: criteria provided, single submitter. Criteria: ACMG Guidelines, 2015. Collection method: clinical testing. Allele origin: germline.

Fulgent Genetics
Classification: Uncertain significance for Nephronophthisis 4; Senior-Loken syndrome 4. Last evaluated: 2024-05-01. Review status: criteria provided, single submitter. Criteria: ACMG Guidelines, 2015. Collection method: clinical testing. Allele origin: germline.

Labcorp Genetics (formerly Invitae), Labcorp
Classification: Uncertain significance for Nephronophthisis. Last evaluated: 2022-10-31. Review status: criteria provided, single submitter. Criteria: Invitae Variant Classification Sherloc (09022015). Collection method: clinical testing. Allele origin: germline.
Comment: This sequence change replaces proline, which is neutral and non-polar, with leucine, which is neutral and non-polar, at codon 493 of the NPHP4 protein (p.Pro493Leu). This variant is present in population databases (rs201801114, gnomAD 0.2%). This variant has not been reported in the literature in individuals affected with NPHP4-related conditions. ClinVar contains an entry for this variant (Variation ID: 499799). Advanced modeling of protein sequence and biophysical properties (such as structural, functional, and spatial information, amino acid conservation, physicochemical variation, residue mobility, and thermodynamic stability) performed at Invitae indicates that this missense variant is not expected to disrupt NPHP4 protein function. In summary, the available evidence is currently insufficient to determine the role of this variant in disease. Therefore, it has been classified as a Variant of Uncertain Significance.

Eurofins Ntd Llc (ga)
Classification: Uncertain significance. Last evaluated: 2018-01-29. Review status: criteria provided, single submitter. Criteria: EGL Classification Definitions 2015. Collection method: clinical testing. Allele origin: germline. Observed: 3 variant alleles, 3 heterozygotes.

Breakthrough Genomics
Classification: Uncertain significance. Review status: criteria provided, single submitter. Criteria: ACMG Guidelines, 2015. Collection method: not provided. Allele origin: germline. Inheritance: Autosomal recessive inheritance. Affected: yes.

PreventionGenetics, part of Exact Sciences
Classification: Likely benign for NPHP4-related condition. Last evaluated: 2023-04-11. Review status: no assertion criteria provided. Collection method: clinical testing. Allele origin: germline. Not counted in ClinVar's aggregate classification.
Comment: This variant is classified as likely benign based on ACMG/AMP sequence variant interpretation guidelines (Richards et al. 2015 PMID: 25741868, with internal and published modifications).